The following is an entry in ClinVar:

NM_000179.3(MSH6):c.3992G>T (p.Arg1331Leu)

Gene: MSH6 (mutS homolog 6; plus strand). Cytogenetic location: 2p16.3.
Variant type: single nucleotide variant.
Coding change: c.3992G>T on transcript NM_000179.3 (MANE Select); coding-DNA position 3992, G replaced by T.
Protein change: p.Arg1331Leu; replaces arginine 1331 with leucine.
Molecular consequence: missense variant.
Genome position (GRCh38, 1-based): chr2:47,806,642, G>T. VCF-style: chr2-47806642-G-T. GRCh37 (hg19) VCF-style: chr2-48033781-G-T.
Other names: c.3602G>T, p.Arg1201Leu (NM_001281492.2); c.3086G>T, p.Arg1029Leu (NM_001281493.2, NM_001281494.2); short protein forms R1331L, R1201L, R1029L.
Identifiers: ClinVar variation 252468 (VCV000252468.17), dbSNP rs184131049, ClinGen allele CA072455.

ClinVar aggregate classification (germline): Conflicting classifications of pathogenicity. Review status: criteria provided, conflicting classifications (1 of 4 stars). 4 submissions from 4 submitters: Uncertain significance (3); Benign (1). Last evaluated 2025-09-12.

Conditions:
Hereditary nonpolyposis colorectal neoplasms. Identifiers: MedGen C0009405, MeSH D003123.
Hereditary cancer-predisposing syndrome. Also called: Hereditary Cancer Syndrome; Neoplastic Syndromes, Hereditary; Tumor predisposition; Hereditary neoplastic syndrome. Identifiers: Orphanet 140162, MedGen C0027672, MeSH D009386, MONDO:0015356.
Lynch syndrome. Identifiers: Orphanet 144, MedGen C4552100, MONDO:0005835. Disease mechanism: loss of function.
Endometrial carcinoma. Also called: Endometrial carcinoma, somatic. Identifiers: MedGen C0476089, MONDO:0002447, OMIM 608089, HP:0012114.

Allele frequency attached by ClinVar (database versions not stated): ExAC 0.00001; 1000 Genomes Project 30x 0.00016; 1000 Genomes Project 0.00020.
gnomAD v4.1: 4 of 1,609,250 alleles (0.00025%); highest among the groups gnomAD compares: African/African-American, 0.004%; no homozygotes.

Submissions (4):

Labcorp Genetics (formerly Invitae), Labcorp
Classification: Benign for Hereditary nonpolyposis colorectal neoplasms. Last evaluated: 2025-09-12. Review status: criteria provided, single submitter. Criteria: Invitae Variant Classification Sherloc (09022015). Collection method: clinical testing. Allele origin: germline.

Ambry Genetics
Classification: Uncertain significance for Hereditary cancer-predisposing syndrome. Last evaluated: 2023-11-17. Review status: criteria provided, single submitter. Criteria: Ambry Variant Classification Scheme 2023. Collection method: clinical testing. Allele origin: germline.
Comment: The p.R1331L variant (also known as c.3992G>T), located in coding exon 9 of the MSH6 gene, results from a G to T substitution at nucleotide position 3992. The arginine at codon 1331 is replaced by leucine, an amino acid with dissimilar properties. This amino acid position is not well conserved in available vertebrate species. In addition, the in silico prediction for this alteration is inconclusive. Since supporting evidence is limited at this time, the clinical significance of this alteration remains unclear.

Baylor Genetics
Classification: Uncertain significance for Endometrial carcinoma. Last evaluated: 2023-07-06. Review status: criteria provided, single submitter. Criteria: ACMG Guidelines, 2015. Collection method: clinical testing. Allele origin: unknown.

Genomic Diagnostic Laboratory, Division of Genomic Diagnostics, Children's Hospital of Philadelphia
Classification: Uncertain significance for Lynch syndrome. Last evaluated: 2015-10-30. Review status: criteria provided, single submitter. Criteria: DGD Variant Analysis Guidelines. Collection method: clinical testing. Allele origin: unknown.